The following is an entry in ClinVar:

ClinVar aggregate classification (germline): Likely benign. Review status: criteria provided, multiple submitters, no conflicts (2 of 4 stars). 3 submissions from 3 submitters: Likely benign (2). 1 of the submissions does not count toward it. Last evaluated 2026-01-28.

Conditions:
Arrhythmogenic right ventricular dysplasia 8 (ARVD8). Also called: Arrhythmogenic Right Ventricular Dysplasia/Cardiomyopathy 8; ARRHYTHMOGENIC RIGHT VENTRICULAR DYSPLASIA, FAMILIAL, 8; ARRHYTHMOGENIC RIGHT VENTRICULAR CARDIOMYOPATHY 8. Identifiers: MedGen C1843896, MONDO:0011831, OMIM 607450.
Arrhythmogenic cardiomyopathy with wooly hair and keratoderma. Also called: Carvajal syndrome; PALMOPLANTAR KERATODERMA WITH LEFT VENTRICULAR CARDIOMYOPATHY AND WOOLLY HAIR; Dilated cardiomyopathy with woolly hair and keratoderma; Arrhythmogenic cardiomyopathy with woolly hair and keratoderma. Identifiers: Orphanet 65282, MedGen C1854063, MONDO:0011581, OMIM 605676.
DSP-related disorder. Also called: DSP-related disorders; DSP-related condition.

Allele frequency attached by ClinVar (database versions not stated): ExAC 0.00003; gnomAD exomes 0.00004; 1000 Genomes Project 30x 0.00016; 1000 Genomes Project 0.00020; gnomAD 0.00020 and 0.00022; TOPMed 0.00026.
gnomAD v4.1: 56 of 1,612,506 alleles (0.0035%); highest among the groups gnomAD compares: African/African-American, 0.072%; 1 homozygote.

Submissions (3):

Labcorp Genetics (formerly Invitae), Labcorp
Classification: Likely benign for Arrhythmogenic cardiomyopathy with wooly hair and keratoderma; Arrhythmogenic right ventricular dysplasia 8. Last evaluated: 2026-01-28. Review status: criteria provided, single submitter. Criteria: Invitae Variant Classification Sherloc (09022015). Collection method: clinical testing. Allele origin: germline.

Women's Health and Genetics/Laboratory Corporation of America, LabCorp
Classification: Likely benign. Last evaluated: 2025-03-07. Review status: criteria provided, single submitter. Criteria: LabCorp Variant Classification Summary - May 2015. Collection method: clinical testing. Allele origin: germline.

PreventionGenetics, part of Exact Sciences
Classification: Likely benign for DSP-related condition. Last evaluated: 2022-03-28. Review status: no assertion criteria provided. Collection method: clinical testing. Allele origin: germline. Not counted in ClinVar's aggregate classification.
Comment: This variant is classified as likely benign based on ACMG/AMP sequence variant interpretation guidelines (Richards et al. 2015 PMID: 25741868, with internal and published modifications).

NM_004415.4(DSP):c.422+14A>G

Gene: DSP (desmoplakin; plus strand). Cytogenetic location: 6p24.3.
Variant type: single nucleotide variant.
Coding change: c.422+14A>G on transcript NM_004415.4 (MANE Select); 14 bases into the intron after coding-DNA position 422, A replaced by G.
Molecular consequence: intron variant.
Genome position (GRCh38, 1-based): chr6:7,558,278, A>G. VCF-style: chr6-7558278-A-G. GRCh37 (hg19) VCF-style: chr6-7558511-A-G.
Other names: c.422+14A>G (NM_001319034.2, NM_001008844.3, NM_004415.3).
Identifiers: ClinVar variation 1581728 (VCV001581728.11), dbSNP rs533188973, ClinGen allele CA040562.
Genomic context (GRCh38, chr6:7,558,278, plus strand): 5'-AGAGAGATGCGGCAGATGGGCCAGCCCTGTGATGCTTACCAGAAAAGGTATTGTCCACAG[A>G]GCATGGATCGGGCAGTCCCCATGAAAAAGAACACCACATAACCAGTTACACTCAATTCCA-3'